The following is an entry in ClinVar:

NM_013450.4(BAZ2B):c.5283G>T (p.Lys1761Asn)

Gene: BAZ2B (bromodomain adjacent to zinc finger domain 2B; minus strand). Cytogenetic location: 2q24.2.
Variant type: single nucleotide variant.
Coding change: c.5283G>T on transcript NM_013450.4 (MANE Select); coding-DNA position 5283, G replaced by T.
Protein change: p.Lys1761Asn; replaces lysine 1761 with asparagine.
Molecular consequence: missense variant.
Genome position (GRCh38, 1-based): chr2:159,348,688, C>A on the plus strand (G>T on the coding strand, the complement: BAZ2B is on the minus strand). VCF-style: chr2-159348688-C-A. GRCh37 (hg19) VCF-style: chr2-160205199-C-A.
Other names: c.5175G>T, p.Lys1725Asn (NM_001289975.1); c.5121G>T, p.Lys1707Asn (NM_001329857.2); c.5208G>T, p.Lys1736Asn (NM_001329858.2); short protein forms K1736N, K1707N, K1725N, K1761N.
Identifiers: ClinVar variation 2177927 (VCV002177927.5), dbSNP rs768935302, ClinGen allele CA1923935.

ClinVar aggregate classification (germline): Uncertain significance. Review status: criteria provided, multiple submitters, no conflicts (2 of 4 stars). 2 submissions from 2 submitters: Uncertain significance (2). Last evaluated 2023-08-15.

Conditions:
BAZ2B-associated neurodevelopmental disorder.

Allele frequency attached by ClinVar (database versions not stated): ExAC 0.00002; gnomAD 0.00004; TOPMed 0.00004.
gnomAD v4.1: 71 of 1,597,880 alleles (0.0044%); highest among the groups gnomAD compares: Non-Finnish European, 0.0057%; no homozygotes.

Submissions (2):

Clinical Genomics Laboratory, Washington University in St. Louis
Classification: Uncertain significance for BAZ2B-associated neurodevelopmental disorder. Last evaluated: 2023-08-15. Review status: criteria provided, single submitter. Criteria: ACMG Guidelines, 2015. Collection method: clinical testing. Allele origin: germline.
Comment: The BAZ2B c.5283G>T (p.Lys1761Asn) variant, to our knowledge, has not been reported in the medical literature but has been reported in the ClinVar database as a germline variant of uncertain significance by one submitter. This variant is only observed on 2/231,300 alleles in the general population (gnomAD v.2.1.1), indicating it is not a common variant. Computational predictors suggest that the variant does not impact BAZ2B function. Due to limited information, and based on ACMG/AMP guidelines for variant interpretation (Richards S et al., PMID: 25741868), the clinical significance of this variant is uncertain at this time.

Labcorp Genetics (formerly Invitae), Labcorp
Classification: Uncertain significance. Last evaluated: 2022-07-25. Review status: criteria provided, single submitter. Criteria: Invitae Variant Classification Sherloc (09022015). Collection method: clinical testing. Allele origin: germline.
Comment: In summary, the available evidence is currently insufficient to determine the role of this variant in disease. Therefore, it has been classified as a Variant of Uncertain Significance. Algorithms developed to predict the effect of sequence changes on RNA splicing suggest that this variant may disrupt the consensus splice site. This sequence change replaces lysine, which is basic and polar, with asparagine, which is neutral and polar, at codon 1761 of the BAZ2B protein (p.Lys1761Asn). This variant is present in population databases (rs768935302, gnomAD 0.002%). This variant has not been reported in the literature in individuals affected with BAZ2B-related conditions. Algorithms developed to predict the effect of missense changes on protein structure and function are either unavailable or do not agree on the potential impact of this missense change (SIFT: "Deleterious"; PolyPhen-2: "Benign"; Align-GVGD: "Class C35").